The following is an entry in ClinVar:

ClinVar aggregate classification (germline): Uncertain significance. Review status: criteria provided, multiple submitters, no conflicts (2 of 4 stars). 3 submissions from 3 submitters: Uncertain significance (3). Last evaluated 2025-03-01.

Conditions:
Hereditary cancer-predisposing syndrome. Also called: Neoplastic Syndromes, Hereditary; Tumor predisposition; Hereditary neoplastic syndrome; Hereditary Cancer Syndrome. Identifiers: Orphanet 140162, MedGen C0027672, MeSH D009386, MONDO:0015356.

Allele frequency attached by ClinVar (database versions not stated): gnomAD 0.00003.
gnomAD v4.1: 5 of 1,612,968 alleles (0.00031%); highest among the groups gnomAD compares: African/African-American, 0.0027%; no homozygotes.

Submissions (3):

Labcorp Genetics (formerly Invitae), Labcorp
Classification: Uncertain significance. Last evaluated: 2025-03-01. Review status: criteria provided, single submitter. Criteria: Invitae Variant Classification Sherloc (09022015). Collection method: clinical testing. Allele origin: germline.
Comment: This sequence change replaces glycine, which is neutral and non-polar, with alanine, which is neutral and non-polar, at codon 17 of the HOXB13 protein (p.Gly17Ala). This variant is present in population databases (no rsID available, gnomAD 0.007%). This variant has not been reported in the literature in individuals affected with HOXB13-related conditions. ClinVar contains an entry for this variant (Variation ID: 825443). An algorithm developed to predict the effect of missense changes on protein structure and function (PolyPhen-2) suggests that this variant is likely to be disruptive. In summary, the available evidence is currently insufficient to determine the role of this variant in disease. Therefore, it has been classified as a Variant of Uncertain Significance.

Ambry Genetics
Classification: Uncertain significance for Hereditary cancer-predisposing syndrome. Last evaluated: 2024-09-13. Review status: criteria provided, single submitter. Criteria: Ambry Variant Classification Scheme 2023. Collection method: clinical testing. Allele origin: germline.
Comment: The p.G17A variant (also known as c.50G>C), located in coding exon 1 of the HOXB13 gene, results from a G to C substitution at nucleotide position 50. The glycine at codon 17 is replaced by alanine, an amino acid with similar properties. This amino acid position is highly conserved in available vertebrate species. In addition, the in silico prediction for this alteration is inconclusive. Since supporting evidence is limited at this time, the clinical significance of this alteration remains unclear.

GeneDx
Classification: Uncertain significance. Last evaluated: 2023-06-09. Review status: criteria provided, single submitter. Criteria: GeneDx Variant Classification Process June 2021. Collection method: clinical testing. Allele origin: germline. Affected: yes.
Comment: Not observed at significant frequency in large population cohorts (gnomAD); In silico analysis supports that this missense variant does not alter protein structure/function; Has not been previously published as pathogenic or benign to our knowledge

NM_006361.6(HOXB13):c.50G>C (p.Gly17Ala)

Gene: HOXB13 (homeobox B13; minus strand). Cytogenetic location: 17q21.32.
Variant type: single nucleotide variant.
Coding change: c.50G>C on transcript NM_006361.6 (MANE Select); coding-DNA position 50, G replaced by C.
Protein change: p.Gly17Ala; replaces glycine 17 with alanine.
Molecular consequence: missense variant.
Genome position (GRCh38, 1-based): chr17:48,728,544, C>G on the plus strand (G>C on the coding strand, the complement: HOXB13 is on the minus strand). VCF-style: chr17-48728544-C-G. GRCh37 (hg19) VCF-style: chr17-46805906-C-G.
Other names: short protein forms G17A.
Identifiers: ClinVar variation 825443 (VCV000825443.11), dbSNP rs1156639115, ClinGen allele CA400109746.